The following is an entry in ClinVar:

ClinVar aggregate classification (germline): Pathogenic/Likely pathogenic. Review status: criteria provided, multiple submitters, no conflicts (2 of 4 stars). 3 submissions from 3 submitters: Pathogenic (2); Likely pathogenic (1). Last evaluated 2026-02-23.

Conditions:
Cholestanol storage disease (CTX). Also called: CEREBRAL CHOLESTERINOSIS; CTX: Cerebrotendinous xanthomatosis; Cerebrotendinous Xanthomatosis. Identifiers: Orphanet 909, MedGen C0238052, MONDO:0008948, OMIM 213700.

Allele frequency attached by ClinVar (database versions not stated): gnomAD exomes below 0.00001.
gnomAD v4.1: 2 of 1,614,136 alleles (0.00012%); highest among the groups gnomAD compares: South Asian, 0.0022%; no homozygotes.

Submissions (3):

Women's Health and Genetics/Laboratory Corporation of America, LabCorp
Classification: Pathogenic for Cholestanol storage disease. Last evaluated: 2026-02-23. Review status: criteria provided, single submitter. Criteria: LabCorp Variant Classification Summary - May 2015. Collection method: clinical testing. Allele origin: germline.
Comment: Variant summary: CYP27A1 c.847A>T (p.Lys283X) results in a premature termination codon, predicted to cause a truncation of the encoded protein or absence of the protein due to nonsense mediated decay, which are commonly known mechanisms for disease. The variant was absent in 251412 control chromosomes. To our knowledge, no occurrence of c.847A>T in individuals affected with CYP27A1-related conditions and no experimental evidence demonstrating its impact on protein function have been reported. ClinVar contains an entry for this variant (Variation ID: 375407). Based on the evidence outlined above, the variant was classified as pathogenic.

Labcorp Genetics (formerly Invitae), Labcorp
Classification: Pathogenic for Cholestanol storage disease. Last evaluated: 2023-11-27. Review status: criteria provided, single submitter. Criteria: Invitae Variant Classification Sherloc (09022015). Collection method: clinical testing. Allele origin: germline.
Comment: This sequence change creates a premature translational stop signal (p.Lys283*) in the CYP27A1 gene. It is expected to result in an absent or disrupted protein product. Loss-of-function variants in CYP27A1 are known to be pathogenic (PMID: 9392430, 10775536, 26937392). This variant is not present in population databases (gnomAD no frequency). This variant has not been reported in the literature in individuals affected with CYP27A1-related conditions. ClinVar contains an entry for this variant (Variation ID: 375407). For these reasons, this variant has been classified as Pathogenic.

Knight Diagnostic Laboratories, Oregon Health and Sciences University
Classification: Likely pathogenic for Cholestanol storage disease. Last evaluated: 2016-04-18. Review status: criteria provided, single submitter. Criteria: ACMG Guidelines, 2015. Collection method: clinical testing. Allele origin: germline. Affected: no. Study: CSER-NextGen.
Comment: The c.847A>T (p.Lys283*) nonsense variant in the CYP27A1 gene has not been previously reported in affected individuals. This variant is predicted to lead to premature protein termination, resulting in the loss of the last five exons that encode the sterol and heme-binding domains. About 19% of pathogenic variants in this gene are nonsense and several nonsense and frameshift variants that are further downstream (towards the C-terminal) have been reported (GeneReviews: Federico A et al.; last update 2013). This variant is absent from the population databases (Exome Sequencing Project, 1000 Genomes, and ExAC). CYP27A1 is the only gene associated with Cerebrotendinous Xanthomatosis and no other disorders are associated with CYP27A1 variants (GeneReviews: Federico et al., 2013). Therefore, this collective evidence supports the classification of the c.847A>T (p.Lys283*) as a Likely Pathogenic variant for Cerebrotendinous Xanthomatosis. We have confirmed this finding in our laboratory using Sanger sequencing.

Literature cited by the submitters: PubMed 9392430 (cited by Labcorp Genetics (formerly Invitae), Labcorp); PubMed 10775536 (cited by Labcorp Genetics (formerly Invitae), Labcorp); PubMed 26937392 (cited by Labcorp Genetics (formerly Invitae), Labcorp).

NM_000784.4(CYP27A1):c.847A>T (p.Lys283Ter)

Gene: CYP27A1 (cytochrome P450 family 27 subfamily A member 1; plus strand). Cytogenetic location: 2q35.
Variant type: single nucleotide variant.
Coding change: c.847A>T on transcript NM_000784.4 (MANE Select); coding-DNA position 847, A replaced by T.
Protein change: p.Lys283Ter; replaces lysine 283 with a stop codon.
Molecular consequence: nonsense.
Genome position (GRCh38, 1-based): chr2:218,812,926, A>T. VCF-style: chr2-218812926-A-T. GRCh37 (hg19) VCF-style: chr2-219677649-A-T.
Other names: short protein forms K283*.
Identifiers: ClinVar variation 375407 (VCV000375407.5), dbSNP rs1057519469, ClinGen allele CA16044245.